The following is an entry in ClinVar:

ClinVar aggregate classification (germline): Uncertain significance. Review status: criteria provided, single submitter (1 of 4 stars). 2 submissions from 2 submitters: Uncertain significance (1). 1 of the submissions does not count toward it. Last evaluated 2020-08-28.

Conditions:
DOCK3-related disorder. Also called: DOCK3-related condition.

Allele frequency attached by ClinVar (database versions not stated): gnomAD exomes 0.00007 and 0.00015; ExAC 0.00034; TOPMed 0.00067; gnomAD 0.00069 and 0.00073; ESP Exome Variant Server 0.00079; 1000 Genomes Project 0.00160; 1000 Genomes Project 30x 0.00187.
gnomAD v4.1: 203 of 1,602,732 alleles (0.013%); highest among the groups gnomAD compares: African/African-American, 0.25%; no homozygotes.

Submissions (2):

Women's Health and Genetics/Laboratory Corporation of America, LabCorp
Classification: Uncertain significance. Last evaluated: 2020-08-28. Review status: criteria provided, single submitter. Criteria: LabCorp Variant Classification Summary - May 2015. Collection method: clinical testing. Allele origin: germline.
Comment: Variant summary: DOCK3 c.5145+4C>T alters a non-conserved nucleotide located close to a canonical splice site and therefore could affect mRNA splicing, leading to a significantly altered protein sequence. 4/4 computational tools predict no significant impact on normal splicing. However, these predictions have yet to be confirmed by functional studies. The variant allele was found at a frequency of 0.00015 in 226710 control chromosomes (gnomAD). To our knowledge, no occurrence of c.5145+4C>T in individuals affected with Neurodevelopmental Disorder With Impaired Intellectual Development, Hypotonia, And Ataxia and no experimental evidence demonstrating its impact on protein function have been reported. No clinical diagnostic laboratories have submitted clinical-significance assessments for this variant to ClinVar after 2014. Based on the evidence outlined above, the variant was classified as uncertain significance.

PreventionGenetics, part of Exact Sciences
Classification: Likely benign for DOCK3-related condition. Last evaluated: 2019-08-29. Review status: no assertion criteria provided. Collection method: clinical testing. Allele origin: germline. Not counted in ClinVar's aggregate classification.
Comment: This variant is classified as likely benign based on ACMG/AMP sequence variant interpretation guidelines (Richards et al. 2015 PMID: 25741868, with internal and published modifications).

NM_004947.5(DOCK3):c.5145+4C>T

Gene: DOCK3 (dedicator of cytokinesis 3; plus strand). Cytogenetic location: 3p21.2.
Variant type: single nucleotide variant.
Coding change: c.5145+4C>T on transcript NM_004947.5 (MANE Select); 4 bases into the intron after coding-DNA position 5145, C replaced by T.
Molecular consequence: intron variant.
Genome position (GRCh38, 1-based): chr3:51,362,001, C>T. VCF-style: chr3-51362001-C-T. GRCh37 (hg19) VCF-style: chr3-51399432-C-T.
Identifiers: ClinVar variation 977731 (VCV000977731.3), dbSNP rs138743227, ClinGen allele CA2421933.
Genomic context (GRCh38, chr3:51,362,001, plus strand): 5'-ATGCTGGGTGACGGCTCCATGGGTGATGCTCCTGAGGACCTGTACCACCACATGCAGGTA[C>T]AGAGCTGTCCACGGAGAGTGGGCCAGGGCACCATGCCTACAGAACTCACCTTGCTGTTGC-3'